The following is an entry in ClinVar:

ClinVar aggregate classification (germline): Uncertain significance. Review status: criteria provided, multiple submitters, no conflicts (2 of 4 stars). 2 submissions from 2 submitters: Uncertain significance (2). Last evaluated 2023-02-06.

Conditions:
Hereditary sensory and autonomic neuropathy type 6. Also called: HSAN VI; Neuropathy, hereditary sensory and autonomic, type VI. Identifiers: Orphanet 314381, MedGen C3539003, MONDO:0013839, OMIM 614653.
Epidermolysis bullosa simplex 3, localized or generalized intermediate, with BP230 deficiency (EBS3). Also called: Epidermolysis bullosa simplex, autosomal recessive 2; Epidermolysis bullosa simplex due to BP230 deficiency. Identifiers: Orphanet 412181, MedGen C3809470, MONDO:0014180, OMIM 615425.

Allele frequency attached by ClinVar (database versions not stated): gnomAD exomes below 0.00001.
gnomAD v4.1: 2 of 1,614,148 alleles (0.00012%); highest among the groups gnomAD compares: Non-Finnish European, 0.000085%; no homozygotes.

Submissions (2):

Department of Pathology and Laboratory Medicine, Sinai Health System
Classification: Uncertain significance for hereditary sensory and autonomic neuropathy type 6. Last evaluated: 2023-02-06. Review status: criteria provided, single submitter. Criteria: ACMG Guidelines, 2015. Collection method: research. Allele origin: germline.

Labcorp Genetics (formerly Invitae), Labcorp
Classification: Uncertain significance for Epidermolysis bullosa simplex 3, localized or generalized intermediate, with BP230 deficiency; Hereditary sensory and autonomic neuropathy type 6. Last evaluated: 2022-09-13. Review status: criteria provided, single submitter. Criteria: Invitae Variant Classification Sherloc (09022015). Collection method: clinical testing. Allele origin: germline.
Comment: This sequence change creates a premature translational stop signal (p.Ser2304*) in the DST gene. While this is not anticipated to result in nonsense mediated decay, it is expected to disrupt the last 346 amino acid(s) of the DST protein. This variant is present in population databases (no rsID available, gnomAD no frequency). This variant has not been reported in the literature in individuals affected with DST-related conditions. ClinVar contains an entry for this variant (Variation ID: 581410). Experimental studies and prediction algorithms are not available or were not evaluated, and the functional significance of this variant is currently unknown. In summary, the available evidence is currently insufficient to determine the role of this variant in disease. Therefore, it has been classified as a Variant of Uncertain Significance.

NM_001723.7(DST):c.6911C>G (p.Ser2304Ter)

Gene: DST (dystonin; minus strand). Cytogenetic location: 6p12.1.
Variant type: single nucleotide variant.
Coding change: c.6911C>G on transcript NM_001723.7 (MANE Plus Clinical); coding-DNA position 6911, C replaced by G.
Protein change: p.Ser2304Ter; replaces serine 2304 with a stop codon.
Molecular consequence: nonsense. On other transcripts: intron variant (10).
Genome position (GRCh38, 1-based): chr6:56,616,556, G>C on the plus strand (C>G on the coding strand, the complement: DST is on the minus strand). VCF-style: chr6-56616556-G-C. GRCh37 (hg19) VCF-style: chr6-56481354-G-C.
Other names: c.4831-2072C>G (NM_001144769.5); c.4930-2072C>G (NM_001374722.1, NM_001374736.1); c.4957-2072C>G (NM_001374734.1); c.4417-2072C>G (NM_001144770.2); c.4297-2072C>G (NM_001374730.1, NM_001386100.1, NM_183380.4 and 1 more transcripts); c.3319-2072C>G (NM_015548.5); short protein forms S2304*.
Identifiers: ClinVar variation 581410 (VCV000581410.5), dbSNP rs1168153800, ClinGen allele CA364564133.